The following is an entry in ClinVar:

NM_005120.3(MED12):c.846+3A>T

Gene: MED12 (mediator complex subunit 12; plus strand). Cytogenetic location: Xq13.1.
Variant type: single nucleotide variant.
Coding change: c.846+3A>T on transcript NM_005120.3 (MANE Select); 3 bases into the intron after coding-DNA position 846, A replaced by T.
Molecular consequence: intron variant.
Genome position (GRCh38, 1-based): chrX:71,121,440, A>T. VCF-style: chrX-71121440-A-T. GRCh37 (hg19) VCF-style: chrX-70341290-A-T.
Identifiers: ClinVar variation 2754471 (VCV002754471.3), dbSNP rs2519667314, ClinGen allele CA2697553150.

ClinVar aggregate classification (germline): Uncertain significance (1 of 4 stars; one submission).

Conditions:
FG syndrome (FGS). Identifiers: MedGen C0220769, MONDO:0002010.

Submission:

Labcorp Genetics (formerly Invitae), Labcorp
Classification: Uncertain significance for FG syndrome. Last evaluated: 2023-12-25. Review status: criteria provided, single submitter. Criteria: Invitae Variant Classification Sherloc (09022015). Collection method: clinical testing. Allele origin: germline.
Comment: This sequence change falls in intron 6 of the MED12 gene. It does not directly change the encoded amino acid sequence of the MED12 protein. It affects a nucleotide within the consensus splice site. This variant is not present in population databases (gnomAD no frequency). This variant has not been reported in the literature in individuals affected with MED12-related conditions. Variants that disrupt the consensus splice site are a relatively common cause of aberrant splicing (PMID: 17576681, 9536098). Algorithms developed to predict the effect of sequence changes on RNA splicing suggest that this variant may disrupt the consensus splice site. In summary, the available evidence is currently insufficient to determine the role of this variant in disease. Therefore, it has been classified as a Variant of Uncertain Significance.

Literature cited by the submitters: PubMed 17576681; PubMed 9536098.